The following is an entry in ClinVar:

ClinVar aggregate classification (germline): Likely benign. Review status: criteria provided, single submitter (1 of 4 stars). 2 submissions from 2 submitters: Likely benign (1). 1 of the submissions does not count toward it. Last evaluated 2022-01-17.

Conditions:
RYR1-related disorder. Also called: RYR1-related condition; RYR1-related disorders. Identifiers: MedGen CN239331.

Submissions (2):

Labcorp Genetics (formerly Invitae), Labcorp
Classification: Likely benign for RYR1-related disorder. Last evaluated: 2022-01-17. Review status: criteria provided, single submitter. Criteria: Invitae Variant Classification Sherloc (09022015). Collection method: clinical testing. Allele origin: germline.

PreventionGenetics, part of Exact Sciences
Classification: Likely benign for RYR1-related condition. Last evaluated: 2024-01-12. Review status: no assertion criteria provided. Collection method: clinical testing. Allele origin: germline. Not counted in ClinVar's aggregate classification.
Comment: This variant is classified as likely benign based on ACMG/AMP sequence variant interpretation guidelines (Richards et al. 2015 PMID: 25741868, with internal and published modifications).

NM_000540.3(RYR1):c.4008C>T (p.Arg1336=)

Gene: RYR1 (ryanodine receptor 1; plus strand). Cytogenetic location: 19q13.2.
Variant type: single nucleotide variant.
Coding change: c.4008C>T on transcript NM_000540.3 (MANE Select); coding-DNA position 4008, C replaced by T.
Protein change: p.Arg1336=; no amino-acid change (arginine 1336 retained).
Molecular consequence: synonymous variant.
Genome position (GRCh38, 1-based): chr19:38,473,619, C>T. VCF-style: chr19-38473619-C-T. GRCh37 (hg19) VCF-style: chr19-38964259-C-T.
Other names: c.4008C>T, p.Arg1336= (NM_001042723.2).
Identifiers: ClinVar variation 2086780 (VCV002086780.6), dbSNP rs2514148114, ClinGen allele CA507353084.
Genomic context (GRCh38, chr19:38,473,619, plus strand): 5'-CCCCGCCGAGGACGAGGCCCGGGCGGCGGAACCCGACCCTGACTACGAAAACCTGCGCCG[C>T]TCAGCTGGGGGCTGGAGCGAGGCAGAGAACGGCAAAGAAGGGACTGCGAAGGAGGGCGCC-3'
Protein context (NP_000531.2, residues 1326-1346): EPDPDYENLR[Arg1336=]SAGGWSEAEN